The following is an entry in ClinVar:

ClinVar aggregate classification (germline): Likely benign (0 of 4 stars; one submission).

Conditions:
USP26-related disorder. Also called: USP26-related condition.

Submission:

PreventionGenetics, part of Exact Sciences
Classification: Likely benign for USP26-related condition. Last evaluated: 2019-03-20. Review status: no assertion criteria provided. Collection method: clinical testing. Allele origin: germline.
Comment: This variant is classified as likely benign based on ACMG/AMP sequence variant interpretation guidelines (Richards et al. 2015 PMID: 25741868, with internal and published modifications).

NM_031907.3(USP26):c.1992C>G (p.Thr664=)

Gene: USP26 (ubiquitin specific peptidase 26; minus strand). Cytogenetic location: Xq26.2.
Variant type: single nucleotide variant.
Coding change: c.1992C>G on transcript NM_031907.3 (MANE Select); coding-DNA position 1992, C replaced by G.
Protein change: p.Thr664=; no amino-acid change (threonine 664 retained).
Molecular consequence: synonymous variant.
Genome position (GRCh38, 1-based): chrX:133,026,229, G>C on the plus strand (C>G on the coding strand, the complement: USP26 is on the minus strand). VCF-style: chrX-133026229-G-C. GRCh37 (hg19) VCF-style: chrX-132160257-G-C.
Identifiers: ClinVar variation 3046300 (VCV003046300.2), dbSNP rs2524102127, ClinGen allele CA518850240.